The following is an entry in ClinVar:

NM_001379500.1(COL18A1):c.3655C>T (p.Arg1219Cys)

Genes: COL18A1 (collagen type XVIII alpha 1 chain; plus strand), SLC19A1 (solute carrier family 19 member 1; minus strand). Cytogenetic location: 21q22.3.
Variant type: single nucleotide variant.
Coding change: c.3655C>T on transcript NM_001379500.1 (MANE Select); coding-DNA position 3655, C replaced by T.
Protein change: p.Arg1219Cys; replaces arginine 1219 with cysteine.
Molecular consequence: missense variant.
Genome position (GRCh38, 1-based): chr21:45,510,223, C>T. VCF-style: chr21-45510223-C-T. GRCh37 (hg19) VCF-style: chr21-46930137-C-T.
Other names: c.4186C>T, p.Arg1396Cys (NM_030582.4); c.4891C>T, p.Arg1631Cys (NM_130444.3); short protein forms R1219C, R1396C, R1631C.
Identifiers: ClinVar variation 1391521 (VCV001391521.3), dbSNP rs780026798, ClinGen allele CA10067990.

ClinVar aggregate classification (germline): Uncertain significance (1 of 4 stars; one submission).

Allele frequency attached by ClinVar (database versions not stated): gnomAD 0.00003; gnomAD exomes 0.00004 and 0.00005; ExAC 0.00006; TOPMed 0.00006.
gnomAD v4.1: 77 of 1,606,404 alleles (0.0048%); highest among the groups gnomAD compares: East Asian, 0.0068%; no homozygotes.

Submission:

Labcorp Genetics (formerly Invitae), Labcorp
Classification: Uncertain significance. Last evaluated: 2022-05-30. Review status: criteria provided, single submitter. Criteria: Invitae Variant Classification Sherloc (09022015). Collection method: clinical testing. Allele origin: germline.
Comment: This sequence change replaces arginine, which is basic and polar, with cysteine, which is neutral and slightly polar, at codon 1216 of the COL18A1 protein (p.Arg1216Cys). This variant is present in population databases (rs780026798, gnomAD 0.006%). This variant has not been reported in the literature in individuals affected with COL18A1-related conditions. ClinVar contains an entry for this variant (Variation ID: 1391521). Experimental studies and prediction algorithms are not available or were not evaluated, and the functional significance of this variant is currently unknown. In summary, the available evidence is currently insufficient to determine the role of this variant in disease. Therefore, it has been classified as a Variant of Uncertain Significance.